The following is an entry in ClinVar:

NM_018026.4(PACS1):c.1441A>C (p.Thr481Pro)

Gene: PACS1 (phosphofurin acidic cluster sorting protein 1; plus strand). Cytogenetic location: 11q13.2.
Variant type: single nucleotide variant.
Coding change: c.1441A>C on transcript NM_018026.4 (MANE Select); coding-DNA position 1441, A replaced by C.
Protein change: p.Thr481Pro; replaces threonine 481 with proline.
Molecular consequence: missense variant.
Genome position (GRCh38, 1-based): chr11:66,230,614, A>C. VCF-style: chr11-66230614-A-C. GRCh37 (hg19) VCF-style: chr11-65998085-A-C.
Other names: short protein forms T481P.
Identifiers: ClinVar variation 3679064 (VCV003679064.2).

ClinVar aggregate classification (germline): Uncertain significance (1 of 4 stars; one submission).

Conditions:
Schuurs-Hoeijmakers syndrome. Also called: PACS1-Related Neurodevelopmental Disorder. Identifiers: Orphanet 329224, MedGen C3554343, MONDO:0014006, OMIM 615009.

gnomAD v4.1: 9 of 1,613,474 alleles (0.00056%); highest among the groups gnomAD compares: Middle Eastern, 0.15%; no homozygotes.

Submission:

Labcorp Genetics (formerly Invitae), Labcorp
Classification: Uncertain significance for Schuurs-Hoeijmakers syndrome. Last evaluated: 2024-05-02. Review status: criteria provided, single submitter. Criteria: Invitae Variant Classification Sherloc (09022015). Collection method: clinical testing. Allele origin: germline.
Comment: This sequence change replaces threonine, which is neutral and polar, with proline, which is neutral and non-polar, at codon 481 of the PACS1 protein (p.Thr481Pro). This variant is not present in population databases (gnomAD no frequency). This variant has not been reported in the literature in individuals affected with PACS1-related conditions. An algorithm developed to predict the effect of missense changes on protein structure and function (PolyPhen-2) suggests that this variant is likely to be tolerated. In summary, the available evidence is currently insufficient to determine the role of this variant in disease. Therefore, it has been classified as a Variant of Uncertain Significance.